The following is an entry in ClinVar:

ClinVar aggregate classification (germline): Uncertain significance. Review status: criteria provided, multiple submitters, no conflicts (2 of 4 stars). 3 submissions from 3 submitters: Uncertain significance (3). Last evaluated 2026-03-24.

Conditions:
LEPR-related disorder. Also called: LEPR-related condition; LEPR-related disorders.
Obesity due to leptin receptor gene deficiency. Identifiers: Orphanet 179494, MedGen C3554225, MONDO:0013992, OMIM 614963.
Inborn genetic diseases. Identifiers: MedGen C0950123, MeSH D030342.

Allele frequency attached by ClinVar (database versions not stated): gnomAD exomes 0.00003; ExAC 0.00004; gnomAD 0.00014 and 0.00016; TOPMed 0.00019; ESP Exome Variant Server 0.00023.
gnomAD v4.1: 53 of 1,612,834 alleles (0.0033%); highest among the groups gnomAD compares: African/African-American, 0.057%; no homozygotes.

Submissions (3):

PreventionGenetics, part of Exact Sciences
Classification: Uncertain significance for LEPR-related condition. Last evaluated: 2026-03-24. Review status: criteria provided, single submitter. Criteria: ACMG Guidelines, 2015. Collection method: clinical testing. Allele origin: germline.
Comment: The LEPR c.1411C>A variant is predicted to result in the amino acid substitution p.Leu471Ile. This variant was observed in a cohort of individuals with obesity, and in vitro functional studies showed function similar to that of wildtype levels (Supplemental Data Set, Shah et al. 2023. PubMed ID: 36864747). This variant is reported in 0.048% of alleles in individuals of African descent in gnomAD. At this time, the clinical significance of this variant is uncertain due to the absence of conclusive functional and genetic evidence.

Ambry Genetics
Classification: Uncertain significance for Inborn genetic diseases. Last evaluated: 2023-12-18. Review status: criteria provided, single submitter. Criteria: Ambry Variant Classification Scheme 2023. Collection method: clinical testing. Allele origin: germline.

Illumina Laboratory Services, Illumina
Classification: Uncertain significance for Obesity due to leptin receptor gene deficiency. Last evaluated: 2018-01-13. Review status: criteria provided, single submitter. Criteria: ICSL Variant Classification Criteria 13 December 2019. Collection method: clinical testing. Allele origin: germline.

NM_002303.6(LEPR):c.1411C>A (p.Leu471Ile)

Gene: LEPR (leptin receptor; plus strand). Cytogenetic location: 1p31.3.
Variant type: single nucleotide variant.
Coding change: c.1411C>A on transcript NM_002303.6 (MANE Select); coding-DNA position 1411, C replaced by A.
Protein change: p.Leu471Ile; replaces leucine 471 with isoleucine.
Molecular consequence: missense variant.
Genome position (GRCh38, 1-based): chr1:65,605,045, C>A. VCF-style: chr1-65605045-C-A. GRCh37 (hg19) VCF-style: chr1-66070728-C-A.
Other names: c.1411C>A, p.Leu471Ile (NM_001003679.3, NM_001003680.3, NM_001198687.2 and 2 more transcripts); short protein forms L471I.
Identifiers: ClinVar variation 297994 (VCV000297994.11), dbSNP rs143319015, ClinGen allele CA894807.